The following is an entry in ClinVar:

NM_030662.4(MAP2K2):c.91G>A (p.Glu31Lys)

Genes: MAP2K2 (mitogen-activated protein kinase kinase 2; minus strand), LOC130063193 (ATAC-STARR-seq lymphoblastoid silent region 9881; plus strand). Cytogenetic location: 19p13.3.
Variant type: single nucleotide variant.
Coding change: c.91G>A on transcript NM_030662.4 (MANE Select); coding-DNA position 91, G replaced by A.
Protein change: p.Glu31Lys; replaces glutamic acid 31 with lysine.
Molecular consequence: missense variant.
Genome position (GRCh38, 1-based): chr19:4,123,785, C>T on the plus strand (G>A on the coding strand, the complement: MAP2K2 is on the minus strand). VCF-style: chr19-4123785-C-T. GRCh37 (hg19) VCF-style: chr19-4123782-C-T.
Other names: short protein forms E31K.
Identifiers: ClinVar variation 3228058 (VCV003228058.1), dbSNP rs2145089707, ClinGen allele CA403395916.

ClinVar aggregate classification (germline): Uncertain significance (1 of 4 stars; one submission).

Conditions:
Cardiovascular phenotype. Identifiers: MedGen CN230736.

Submission:

Ambry Genetics
Classification: Uncertain significance for Cardiovascular phenotype. Last evaluated: 2024-02-04. Review status: criteria provided, single submitter. Criteria: Ambry Variant Classification Scheme 2023. Collection method: clinical testing. Allele origin: germline.
Comment: The p.E31K variant (also known as c.91G>A), located in coding exon 1 of the MAP2K2 gene, results from a G to A substitution at nucleotide position 91. The glutamic acid at codon 31 is replaced by lysine, an amino acid with similar properties. This amino acid position is conserved. In addition, this alteration is predicted to be tolerated by in silico analysis. Based on the available evidence, the clinical significance of this alteration remains unclear.